The following is an entry in ClinVar:

NM_000124.4(ERCC6):c.3688C>T (p.Arg1230Cys)

Gene: ERCC6 (ERCC excision repair 6, chromatin remodeling factor; minus strand). Cytogenetic location: 10q11.23.
Variant type: single nucleotide variant.
Coding change: c.3688C>T on transcript NM_000124.4 (MANE Select); coding-DNA position 3688, C replaced by T.
Protein change: p.Arg1230Cys; replaces arginine 1230 with cysteine.
Molecular consequence: missense variant.
Genome position (GRCh38, 1-based): chr10:49,470,272, G>A on the plus strand (C>T on the coding strand, the complement: ERCC6 is on the minus strand). VCF-style: chr10-49470272-G-A. GRCh37 (hg19) VCF-style: chr10-50678318-G-A.
Other names: c.3688C>T (NM_000124.2); c.3688C>T, p.Arg1230Cys (NM_001346440.2); short protein forms R1230C.
Identifiers: ClinVar variation 1434974 (VCV001434974.7), dbSNP rs755377100, ClinGen allele CA5495297.

ClinVar aggregate classification (germline): Uncertain significance. Review status: criteria provided, multiple submitters, no conflicts (2 of 4 stars). 3 submissions from 3 submitters: Uncertain significance (3). Last evaluated 2025-04-18.

Conditions:
Inborn genetic diseases. Identifiers: MedGen C0950123, MeSH D030342.

Allele frequency attached by ClinVar (database versions not stated): gnomAD exomes 0.00001 and 0.00002; TOPMed 0.00001; ExAC 0.00003.
gnomAD v4.1: 16 of 1,613,912 alleles (0.00099%); highest among the groups gnomAD compares: Admixed American, 0.0033%; no homozygotes.

Submissions (3):

GeneDx
Classification: Uncertain significance. Last evaluated: 2025-04-18. Review status: criteria provided, single submitter. Criteria: GeneDx Variant Classification Process June 2021. Collection method: clinical testing. Allele origin: germline. Affected: yes.
Comment: In silico analysis supports that this missense variant has a deleterious effect on protein structure/function; Has not been previously published as pathogenic or benign to our knowledge

Ambry Genetics
Classification: Uncertain significance for Inborn genetic diseases. Last evaluated: 2025-03-17. Review status: criteria provided, single submitter. Criteria: Ambry Variant Classification Scheme 2023. Collection method: clinical testing. Allele origin: germline.

Labcorp Genetics (formerly Invitae), Labcorp
Classification: Uncertain significance. Last evaluated: 2021-09-30. Review status: criteria provided, single submitter. Criteria: Invitae Variant Classification Sherloc (09022015). Collection method: clinical testing. Allele origin: germline.
Comment: This sequence change replaces arginine with cysteine at codon 1230 of the ERCC6 protein (p.Arg1230Cys). The arginine residue is moderately conserved and there is a large physicochemical difference between arginine and cysteine. This variant is present in population databases (rs755377100, ExAC 0.006%). This variant has not been reported in the literature in individuals with ERCC6-related conditions. Algorithms developed to predict the effect of missense changes on protein structure and function (SIFT, PolyPhen-2, Align-GVGD) all suggest that this variant is likely to be disruptive, but these predictions have not been confirmed by published functional studies and their clinical significance is uncertain. Algorithms developed to predict the effect of sequence changes on RNA splicing suggest that this variant may create or strengthen a splice site, but this prediction has not been confirmed by published transcriptional studies. In summary, the available evidence is currently insufficient to determine the role of this variant in disease. Therefore, it has been classified as a Variant of Uncertain Significance.